The following is an entry in ClinVar:

NM_001004486.1(OR13H1):c.733A>C (p.Thr245Pro)

Gene: OR13H1 (olfactory receptor family 13 subfamily H member 1; plus strand). Cytogenetic location: Xq26.2.
Variant type: single nucleotide variant.
Coding change: c.733A>C on transcript NM_001004486.1 (MANE Select); coding-DNA position 733, A replaced by C.
Protein change: p.Thr245Pro; replaces threonine 245 with proline.
Molecular consequence: missense variant.
Genome position (GRCh38, 1-based): chrX:131,544,806, A>C. VCF-style: chrX-131544806-A-C. GRCh37 (hg19) VCF-style: chrX-130678780-A-C.
Other names: short protein forms T245P.
Identifiers: ClinVar variation 2661447 (VCV002661447.25), dbSNP rs749224419, ClinGen allele CA10518471.

ClinVar aggregate classification (germline): Conflicting classifications of pathogenicity. Review status: criteria provided, conflicting classifications (1 of 4 stars). 2 submissions from 2 submitters: Uncertain significance (1); Likely benign (1). Last evaluated 2025-02-12.

Allele frequency attached by ClinVar (database versions not stated): gnomAD 0.00001; TOPMed 0.00002; ExAC 0.00003; gnomAD exomes 0.00004.

Submissions (2):

Ambry Genetics
Classification: Uncertain significance. Last evaluated: 2025-02-12. Review status: criteria provided, single submitter. Criteria: Ambry Variant Classification Scheme 2023. Collection method: clinical testing. Allele origin: germline.

CeGaT Center for Human Genetics Tuebingen
Classification: Likely benign. Last evaluated: 2022-12-01. Review status: criteria provided, single submitter. Criteria: CeGaT Center For Human Genetics Tuebingen Variant Classification Criteria Version 2. Collection method: clinical testing. Allele origin: germline. Affected: yes. Observed: 1 variant allele.
Comment: OR13H1: BP4, BS2